The following is an entry in ClinVar:

NM_001130438.3(SPTAN1):c.6760A>G (p.Lys2254Glu)

Gene: SPTAN1 (spectrin alpha, non-erythrocytic 1; plus strand). Cytogenetic location: 9q34.11.
Variant type: single nucleotide variant.
Coding change: c.6760A>G on transcript NM_001130438.3 (MANE Select); coding-DNA position 6760, A replaced by G.
Protein change: p.Lys2254Glu; replaces lysine 2254 with glutamic acid.
Molecular consequence: missense variant.
Genome position (GRCh38, 1-based): chr9:128,630,373, A>G. VCF-style: chr9-128630373-A-G. GRCh37 (hg19) VCF-style: chr9-131392652-A-G.
Other names: c.6685A>G, p.Lys2229Glu (NM_001195532.2); c.6823A>G, p.Lys2275Glu (NM_001363759.2); c.6700A>G, p.Lys2234Glu (NM_001363765.2, NM_001375314.2); c.6847A>G, p.Lys2283Glu (NM_001375310.1); c.6760A>G, p.Lys2254Glu (NM_001375311.2); c.6796A>G, p.Lys2266Glu (NM_001375312.2); c.6742A>G, p.Lys2248Glu (NM_001375313.1); c.6859A>G, p.Lys2287Glu (NM_001375318.1); and 1 more; short protein forms K2229E, K2234E, K2248E, K2249E, K2254E, K2266E, K2275E, K2283E.
Identifiers: ClinVar variation 1714331 (VCV001714331.5), dbSNP rs2542325793, ClinGen allele CA375095482.

ClinVar aggregate classification (germline): Uncertain significance (1 of 4 stars; one submission).

Conditions:
Early-infantile DEE. Also called: Early infantile epileptic encephalopathy with suppression bursts; Early infantile epileptic encephalopathy; Ohtahara syndrome. Identifiers: Orphanet 1934, MedGen C0393706, MONDO:0800491.

Allele frequency attached by ClinVar (database versions not stated): gnomAD exomes below 0.00001.

Submission:

Labcorp Genetics (formerly Invitae), Labcorp
Classification: Uncertain significance for Early-infantile DEE. Last evaluated: 2025-11-03. Review status: criteria provided, single submitter. Criteria: Invitae Variant Classification Sherloc (09022015). Collection method: clinical testing. Allele origin: germline.
Comment: This sequence change replaces lysine, which is basic and polar, with glutamic acid, which is acidic and polar, at codon 2254 of the SPTAN1 protein (p.Lys2254Glu). This variant is not present in population databases (gnomAD no frequency). This variant has not been reported in the literature in individuals affected with SPTAN1-related conditions. ClinVar contains an entry for this variant (Variation ID: 1714331). An algorithm developed to predict the effect of missense changes on protein structure and function (PolyPhen-2) suggests that this variant is likely to be tolerated. In summary, the available evidence is currently insufficient to determine the role of this variant in disease. Therefore, it has been classified as a Variant of Uncertain Significance.